The following is an entry in ClinVar:

NM_144643.4(SCLT1):c.1403C>T (p.Thr468Met)

Gene: SCLT1 (sodium channel and clathrin linker 1; minus strand). Cytogenetic location: 4q28.2.
Variant type: single nucleotide variant.
Coding change: c.1403C>T on transcript NM_144643.4 (MANE Select); coding-DNA position 1403, C replaced by T.
Protein change: p.Thr468Met; replaces threonine 468 with methionine.
Molecular consequence: missense variant.
Genome position (GRCh38, 1-based): chr4:128,946,043, G>A on the plus strand (C>T on the coding strand, the complement: SCLT1 is on the minus strand). VCF-style: chr4-128946043-G-A. GRCh37 (hg19) VCF-style: chr4-129867198-G-A.
Other names: c.1403C>T (NM_144643.2, NM_144643.3); short protein forms T468M.
Identifiers: ClinVar variation 1045966 (VCV001045966.8), dbSNP rs762809545, ClinGen allele CA3079636.

ClinVar aggregate classification (germline): Uncertain significance. Review status: criteria provided, multiple submitters, no conflicts (2 of 4 stars). 3 submissions from 3 submitters: Uncertain significance (3). Last evaluated 2026-03-20.

Conditions:
SCLT1-related disorder. Also called: SCLT1-related condition.

Allele frequency attached by ClinVar (database versions not stated): ExAC below 0.00001; TOPMed 0.00002; gnomAD exomes 0.00004.
gnomAD v4.1: 85 of 1,610,716 alleles (0.0053%); highest among the groups gnomAD compares: Non-Finnish European, 0.0065%; no homozygotes.

Submissions (3):

PreventionGenetics, part of Exact Sciences
Classification: Uncertain significance for SCLT1-related condition. Last evaluated: 2026-03-20. Review status: criteria provided, single submitter. Criteria: ACMG Guidelines, 2015. Collection method: clinical testing. Allele origin: germline.
Comment: The SCLT1 c.1403C>T variant is predicted to result in the amino acid substitution p.Thr468Met. To our knowledge, this variant has not been reported in the literature. This variant is reported in 0.0071% of alleles in individuals of European (Non-Finnish) descent in gnomAD. At this time, the clinical significance of this variant is uncertain due to the absence of conclusive functional and genetic evidence.

Ambry Genetics
Classification: Uncertain significance. Last evaluated: 2024-09-26. Review status: criteria provided, single submitter. Criteria: Ambry Variant Classification Scheme 2023. Collection method: clinical testing. Allele origin: germline.

Labcorp Genetics (formerly Invitae), Labcorp
Classification: Uncertain significance. Last evaluated: 2023-12-18. Review status: criteria provided, single submitter. Criteria: Invitae Variant Classification Sherloc (09022015). Collection method: clinical testing. Allele origin: germline.
Comment: This sequence change replaces threonine, which is neutral and polar, with methionine, which is neutral and non-polar, at codon 468 of the SCLT1 protein (p.Thr468Met). This variant is present in population databases (rs762809545, gnomAD 0.006%). This variant has not been reported in the literature in individuals affected with SCLT1-related conditions. ClinVar contains an entry for this variant (Variation ID: 1045966). An algorithm developed to predict the effect of missense changes on protein structure and function (PolyPhen-2) suggests that this variant¬†is likely to be tolerated. In summary, the available evidence is currently insufficient to determine the role of this variant in disease. Therefore, it has been classified as a Variant of Uncertain Significance.